The following is an entry in ClinVar:

NM_031935.3(HMCN1):c.9475G>A (p.Glu3159Lys)

Gene: HMCN1 (hemicentin 1; plus strand). Cytogenetic location: 1q31.1.
Variant type: single nucleotide variant.
Coding change: c.9475G>A on transcript NM_031935.3 (MANE Select); coding-DNA position 9475, G replaced by A.
Protein change: p.Glu3159Lys; replaces glutamic acid 3159 with lysine.
Molecular consequence: missense variant.
Genome position (GRCh38, 1-based): chr1:186,088,174, G>A. VCF-style: chr1-186088174-G-A. GRCh37 (hg19) VCF-style: chr1-186057306-G-A.
Other names: short protein forms E3159K.
Identifiers: ClinVar variation 1901021 (VCV001901021.29), dbSNP rs747548086, ClinGen allele CA1293447.

ClinVar aggregate classification (germline): Conflicting classifications of pathogenicity. Review status: criteria provided, conflicting classifications (1 of 4 stars). 2 submissions from 2 submitters: Uncertain significance (1); Likely benign (1). Last evaluated 2023-08-01.

Allele frequency attached by ClinVar (database versions not stated): ExAC 0.00002; gnomAD 0.00002; TOPMed 0.00002.
gnomAD v4.1: 67 of 1,611,256 alleles (0.0042%); highest among the groups gnomAD compares: Non-Finnish European, 0.0053%; no homozygotes.

Submissions (2):

CeGaT Center for Human Genetics Tuebingen
Classification: Likely benign. Last evaluated: 2023-08-01. Review status: criteria provided, single submitter. Criteria: CeGaT Center For Human Genetics Tuebingen Variant Classification Criteria Version 2. Collection method: clinical testing. Allele origin: germline. Affected: yes. Observed: 1 variant allele.
Comment: HMCN1: BP4

Labcorp Genetics (formerly Invitae), Labcorp
Classification: Uncertain significance. Last evaluated: 2023-03-18. Review status: criteria provided, single submitter. Criteria: Invitae Variant Classification Sherloc (09022015). Collection method: clinical testing. Allele origin: germline.
Comment: In summary, the available evidence is currently insufficient to determine the role of this variant in disease. Therefore, it has been classified as a Variant of Uncertain Significance. This sequence change replaces glutamic acid, which is acidic and polar, with lysine, which is basic and polar, at codon 3159 of the HMCN1 protein (p.Glu3159Lys). An algorithm developed to predict the effect of missense changes on protein structure and function (PolyPhen-2) suggests that this variant is likely to be tolerated. ClinVar contains an entry for this variant (Variation ID: 1901021). This variant has not been reported in the literature in individuals affected with HMCN1-related conditions. This variant is present in population databases (rs747548086, gnomAD 0.006%).